The following is an entry in ClinVar:

NM_020693.4(DSCAML1):c.4114G>A (p.Asp1372Asn)

Gene: DSCAML1 (DS cell adhesion molecule like 1; minus strand). Cytogenetic location: 11q23.3.
Variant type: single nucleotide variant.
Coding change: c.4114G>A on transcript NM_020693.4 (MANE Select); coding-DNA position 4114, G replaced by A.
Protein change: p.Asp1372Asn; replaces aspartic acid 1372 with asparagine.
Molecular consequence: missense variant.
Genome position (GRCh38, 1-based): chr11:117,439,296, C>T on the plus strand (G>A on the coding strand, the complement: DSCAML1 is on the minus strand). VCF-style: chr11-117439296-C-T. GRCh37 (hg19) VCF-style: chr11-117310012-C-T.
Other names: short protein forms D1372N.
Identifiers: ClinVar variation 3655252 (VCV003655252.2).
Genomic context (GRCh38, chr11:117,439,296, plus strand): 5'-CCTGGGGTCACCTGCCTCACAGAGCCTCACCTTGCACCAGAAGGTTGACGATGATGGTGT[C>T]AAAGCCACCAGTGTTGGTGGCCGTGCACGTGTAGTAGCCAGAGTCCTCAGCCTTCACTGC-3'
Protein context (NP_065744.3, residues 1362-1382): TCTATNTGGF[Asp1372Asn]TIIVNLLVQV

ClinVar aggregate classification (germline): Uncertain significance (1 of 4 stars; one submission).

Submission:

Labcorp Genetics (formerly Invitae), Labcorp
Classification: Uncertain significance. Last evaluated: 2024-06-01. Review status: criteria provided, single submitter. Criteria: Invitae Variant Classification Sherloc (09022015). Collection method: clinical testing. Allele origin: germline.
Comment: This sequence change replaces aspartic acid, which is acidic and polar, with asparagine, which is neutral and polar, at codon 1432 of the DSCAML1 protein (p.Asp1432Asn). This variant is not present in population databases (gnomAD no frequency). This variant has not been reported in the literature in individuals affected with DSCAML1-related conditions. An algorithm developed to predict the effect of missense changes on protein structure and function (PolyPhen-2) suggests that this variant is likely to be disruptive. In summary, the available evidence is currently insufficient to determine the role of this variant in disease. Therefore, it has been classified as a Variant of Uncertain Significance.